The following is an entry in ClinVar:

ClinVar aggregate classification (germline): Uncertain significance. Review status: criteria provided, multiple submitters, no conflicts (2 of 4 stars). 5 submissions from 4 submitters: Uncertain significance (4). 1 of the submissions does not count toward it. Last evaluated 2024-05-17.

Conditions:
Liddle syndrome 3. Identifiers: MedGen C4748292, MONDO:0029132, OMIM 618126.
Pseudohypoaldosteronism, type IB1, autosomal recessive. Also called: Pseudohypoaldosteronism, Type I, Recessive; Autosomal recessive pseudohypoaldosteronism type 1; Pseudohypoaldosteronism, Type I, Autosomal Recessive; PHA I, AUTOSOMAL RECESSIVE. Identifiers: Orphanet 171876, Orphanet 756, MedGen C5774176, MONDO:0009917, OMIM 264350.
Bronchiectasis with or without elevated sweat chloride 2 (BESC2). Identifiers: Orphanet 60033, MedGen C2751666, MONDO:0013087, OMIM 613021.
SCNN1A-related disorder. Also called: SCNN1A-related condition; SCNN1A-related disorders.
Inborn genetic diseases. Identifiers: MedGen C0950123, MeSH D030342.

Allele frequency attached by ClinVar (database versions not stated): TOPMed 0.00002.
gnomAD v4.1: 32 of 1,581,730 alleles (0.002%); highest among the groups gnomAD compares: Non-Finnish European, 0.0028%; no homozygotes.

Submissions (5):

Fulgent Genetics
Classification: Uncertain significance for Pseudohypoaldosteronism, type IB1, autosomal recessive; Bronchiectasis with or without elevated sweat chloride 2; Liddle syndrome 3. Last evaluated: 2024-05-17. Review status: criteria provided, single submitter. Criteria: ACMG Guidelines, 2015. Collection method: clinical testing. Allele origin: germline.

Ambry Genetics
Classification: Uncertain significance for Inborn genetic diseases. Last evaluated: 2023-11-04. Review status: criteria provided, single submitter. Criteria: Ambry Variant Classification Scheme 2023. Collection method: clinical testing. Allele origin: germline.

Illumina Laboratory Services, Illumina
Classification: Uncertain significance for Bronchiectasis with or without elevated sweat chloride 2. Last evaluated: 2018-01-13. Review status: criteria provided, single submitter. Criteria: ICSL Variant Classification Criteria 13 December 2019. Collection method: clinical testing. Allele origin: germline.

Illumina Laboratory Services, Illumina
Classification: Uncertain significance for Pseudohypoaldosteronism, type IB1, autosomal recessive. Last evaluated: 2018-01-13. Review status: criteria provided, single submitter. Criteria: ICSL Variant Classification Criteria 13 December 2019. Collection method: clinical testing. Allele origin: germline.

PreventionGenetics, part of Exact Sciences
Classification: Uncertain significance for SCNN1A-related condition. Last evaluated: 2024-09-22. Review status: no assertion criteria provided. Collection method: clinical testing. Allele origin: germline. Not counted in ClinVar's aggregate classification.
Comment: The SCNN1A c.1361G>A variant is predicted to result in the amino acid substitution p.Gly454Glu. This variant occurs at the end of an exon and a minor splicing defect at the consensus acceptor site is predicted (Alamut Visual v.2.11.0). To our knowledge, this variant has not been reported in the literature. This variant is reported in 0.0012% of alleles in individuals of European (Non-Finnish) descent in gnomAD. At this time, the clinical significance of this variant is uncertain due to the absence of conclusive functional and genetic evidence.

NM_001038.6(SCNN1A):c.1361G>A (p.Gly454Glu)

Gene: SCNN1A (sodium channel epithelial 1 subunit alpha; minus strand). Cytogenetic location: 12p13.31.
Variant type: single nucleotide variant.
Coding change: c.1361G>A on transcript NM_001038.6 (MANE Select); coding-DNA position 1361, G replaced by A.
Protein change: p.Gly454Glu; replaces glycine 454 with glutamic acid.
Molecular consequence: missense variant.
Genome position (GRCh38, 1-based): chr12:6,349,405, C>T on the plus strand (G>A on the coding strand, the complement: SCNN1A is on the minus strand). VCF-style: chr12-6349405-C-T. GRCh37 (hg19) VCF-style: chr12-6458571-C-T.
Other names: c.1430G>A, p.Gly477Glu (NM_001159575.2); c.1538G>A, p.Gly513Glu (NM_001159576.2); short protein forms G454E, G477E, G513E.
Identifiers: ClinVar variation 883257 (VCV000883257.8), dbSNP rs72657557, ClinGen allele CA383554439.